The following is an entry in ClinVar:

ClinVar aggregate classification (germline): Pathogenic (1 of 4 stars; one submission).

Conditions:
Neuronal ceroid lipofuscinosis 7 (CLN7). Also called: MFSD8-Related Neuronal Ceroid-Lipofuscinosis. Identifiers: Orphanet 168491, Orphanet 228366, MedGen C1838571, MONDO:0012588, OMIM 610951.

Allele frequency attached by ClinVar (database versions not stated): gnomAD exomes 0.00001.

Submission:

Labcorp Genetics (formerly Invitae), Labcorp
Classification: Pathogenic for Neuronal ceroid lipofuscinosis 7. Last evaluated: 2023-01-25. Review status: criteria provided, single submitter. Criteria: Invitae Variant Classification Sherloc (09022015). Collection method: clinical testing. Allele origin: germline.
Comment: This variant is not present in population databases (gnomAD no frequency). For these reasons, this variant has been classified as Pathogenic. ClinVar contains an entry for this variant (Variation ID: 1459550). This variant has not been reported in the literature in individuals affected with MFSD8-related conditions. This sequence change creates a premature translational stop signal (p.Leu313Asnfs*8) in the MFSD8 gene. It is expected to result in an absent or disrupted protein product. Loss-of-function variants in MFSD8 are known to be pathogenic (PMID: 19177532, 25227500, 28586915).

Literature cited by the submitters: PubMed 19177532; PubMed 25227500; PubMed 28586915.

NM_001371596.2(MFSD8):c.932_935dup (p.Leu313fs)

Gene: MFSD8 (major facilitator superfamily domain containing 8; minus strand). Cytogenetic location: 4q28.2.
Variant type: Duplication.
Coding change: c.932_935dup on transcript NM_001371596.2 (MANE Select); coding-DNA positions 932 to 935, 4 bases duplicated (TAAT; older notation c.932_935dupTAAT).
Protein change: p.Leu313fs; shifts the reading frame from leucine 313.
Molecular consequence: frameshift variant.
Genome position (GRCh38, 1-based): chr4:127,930,746-127,930,749, ATTA duplicated on the plus strand (TAAT on the coding strand, the reverse complement: MFSD8 is on the minus strand). VCF-style (leftmost placement, unchanged base first): chr4-127930745-T-TATTA. GRCh37 (hg19) VCF-style: chr4-128851900-T-TATTA.
Other names: c.731_734dup, p.Leu246Asnfs (NM_001363520.3); c.617_620dup, p.Leu208Asnfs (NM_001363521.3); c.797_800dup, p.Leu268Asnfs (NM_001371590.2); c.932_935dup, p.Leu313Asnfs (NM_001371591.2); c.938_941dup, p.Leu315Asnfs (NM_001371592.2); c.818_821dup, p.Leu275Asnfs (NM_001371593.2, NM_001410766.1); c.785_788dup, p.Leu264Asnfs (NM_001371594.2); c.650_653dup, p.Leu219fs (NM_001371595.1); and 2 more; short protein forms L208fs, L219fs, L246fs, L264fs, L268fs, L275fs, L313fs, L315fs.
Identifiers: ClinVar variation 1459550 (VCV001459550.7), dbSNP rs1737980148, ClinGen allele CA1492811676.